The following is an entry in ClinVar:

NM_003502.4(AXIN1):c.2522G>A (p.Arg841Gln)

Gene: AXIN1 (axin 1; minus strand). Cytogenetic location: 16p13.3.
Variant type: single nucleotide variant.
Coding change: c.2522G>A on transcript NM_003502.4 (MANE Select); coding-DNA position 2522, G replaced by A.
Protein change: p.Arg841Gln; replaces arginine 841 with glutamine.
Molecular consequence: missense variant. On other transcripts: non-coding transcript variant (1).
Genome position (GRCh38, 1-based): chr16:288,189, C>T on the plus strand (G>A on the coding strand, the complement: AXIN1 is on the minus strand). VCF-style: chr16-288189-C-T. GRCh37 (hg19) VCF-style: chr16-338189-C-T.
Other names: c.2414G>A, p.Arg805Gln (NM_181050.3); short protein forms R805Q, R841Q.
Identifiers: ClinVar variation 774502 (VCV000774502.23), dbSNP rs34015754, ClinGen allele CA7773744.

ClinVar aggregate classification (germline): Benign/Likely benign. Review status: criteria provided, multiple submitters, no conflicts (2 of 4 stars). 4 submissions from 4 submitters: Benign (2); Likely benign (2). Last evaluated 2025-07-01.

Conditions:
Caudal duplication. Identifiers: Orphanet 1756, MedGen C1842884, MONDO:0011928, OMIM 607864.
Hepatocellular carcinoma (HCC). Also called: Primary carcinoma of liver; HEPATOMA; LIVER CELL CARCINOMA. Identifiers: Orphanet 88673, MedGen C2239176, MONDO:0007256, OMIM 114550, HP:0001402.

Allele frequency attached by ClinVar (database versions not stated): 1000 Genomes Project 0.00539; 1000 Genomes Project 30x 0.00578; TOPMed 0.00585; ESP Exome Variant Server 0.00784; gnomAD 0.00787 and 0.00811; gnomAD exomes 0.00842; ExAC 0.00843.
gnomAD v4.1: 14,728 of 1,613,706 alleles (0.91%); highest among the groups gnomAD compares: Non-Finnish European, 0.98%; 110 homozygotes.

Submissions (4):

CeGaT Center for Human Genetics Tuebingen
Classification: Likely benign. Last evaluated: 2025-07-01. Review status: criteria provided, single submitter. Criteria: CeGaT Center For Human Genetics Tuebingen Variant Classification Criteria Version 2. Collection method: clinical testing. Allele origin: germline. Affected: yes. Observed: 5 variant alleles.
Comment: AXIN1: BP4, BS2

Fulgent Genetics
Classification: Likely benign for Hepatocellular carcinoma; Caudal duplication. Last evaluated: 2021-10-18. Review status: criteria provided, single submitter. Criteria: ACMG Guidelines, 2015. Collection method: clinical testing. Allele origin: unknown.

Labcorp Genetics (formerly Invitae), Labcorp
Classification: Benign. Last evaluated: 2019-12-31. Review status: criteria provided, single submitter. Criteria: Invitae Variant Classification Sherloc (09022015). Collection method: clinical testing. Allele origin: germline.

Breakthrough Genomics
Classification: Benign. Review status: criteria provided, single submitter. Criteria: ACMG Guidelines, 2015. Collection method: not provided. Allele origin: germline. Inheritance: Other. Affected: yes.